The following is an entry in ClinVar:

NM_000939.4(POMC):c.198C>T (p.Asp66=)

Genes: POMC (proopiomelanocortin; minus strand), LOC129933280 (ATAC-STARR-seq lymphoblastoid silent region 11244; plus strand). Cytogenetic location: 2p23.3.
Variant type: single nucleotide variant.
Coding change: c.198C>T on transcript NM_000939.4 (MANE Select); coding-DNA position 198, C replaced by T.
Protein change: p.Asp66=; no amino-acid change (aspartic acid 66 retained).
Molecular consequence: synonymous variant.
Genome position (GRCh38, 1-based): chr2:25,161,687, G>A on the plus strand (C>T on the coding strand, the complement: POMC is on the minus strand). VCF-style: chr2-25161687-G-A. GRCh37 (hg19) VCF-style: chr2-25384556-G-A.
Other names: c.198C>T, p.Asp66= (NM_001035256.3, NM_001319204.2, NM_001319205.2).
Identifiers: ClinVar variation 4983156 (VCV004983156.1).

ClinVar aggregate classification (germline): Likely benign (1 of 4 stars; one submission).

Conditions:
POMC-related disorder. Also called: POMC-related disorders; POMC-related condition.

gnomAD v4.1: 1 of 1,578,688 alleles (0.000063%); highest among the groups gnomAD compares: Non-Finnish European, 0.000086%; no homozygotes.

Submission:

PreventionGenetics, part of Exact Sciences
Classification: Likely benign for POMC-related condition. Last evaluated: 2024-10-04. Review status: criteria provided, single submitter. Criteria: ACMG Guidelines, 2015. Collection method: clinical testing. Allele origin: germline.
Comment: This variant is classified as likely benign based on ACMG/AMP sequence variant interpretation guidelines (Richards et al. 2015 PMID: 25741868, with internal and published modifications).